The following is an entry in ClinVar:

ClinVar aggregate classification (germline): Likely pathogenic (1 of 4 stars; one submission).

Conditions:
Pyruvate dehydrogenase E1-beta deficiency (PDHBD). Identifiers: Orphanet 255138, Orphanet 765, MedGen C3279841, MONDO:0013580, OMIM 614111.

Submission:

Women's Health and Genetics/Laboratory Corporation of America, LabCorp
Classification: Likely pathogenic for Pyruvate dehydrogenase E1-beta deficiency. Last evaluated: 2023-02-28. Review status: criteria provided, single submitter. Criteria: LabCorp Variant Classification Summary - May 2015. Collection method: clinical testing. Allele origin: germline.
Comment: Variant summary: PDHB c.818delC (p.Pro273GlnfsX7) results in a premature termination codon, predicted to cause a truncation of the encoded protein or absence of the protein due to nonsense mediated decay, which are commonly known mechanisms for disease. No truncation variants in the PDHB gene have been reported in affected individuals (HGMD), however, two splice variants were described in affected, who carried a recurrent pathogenic missense variant in trans (PMIDs: 26014431, 21914562), suggesting that loss-of-function variants in PDHB likely cause disease. The variant was absent in 251438 control chromosomes (gnomAD). To our knowledge, no occurrence of c.818delC in individuals affected with Pyruvate Dehydrogenase E1-Beta Deficiency and no experimental evidence demonstrating its impact on protein function have been reported. No clinical diagnostic laboratories have submitted clinical-significance assessments for this variant to ClinVar after 2014. Based on the evidence outlined above, the variant was classified as likely pathogenic.

NM_000925.4(PDHB):c.818del (p.Pro273fs)

Gene: PDHB (pyruvate dehydrogenase E1 subunit beta; minus strand). Cytogenetic location: 3p14.3.
Variant type: Deletion.
Coding change: c.818del on transcript NM_000925.4 (MANE Select); coding-DNA position 818, one base deleted (C; older notation c.818delC).
Protein change: p.Pro273fs; shifts the reading frame from proline 273.
Molecular consequence: frameshift variant. On other transcripts: non-coding transcript variant (1).
Genome position (GRCh38, 1-based): chr3:58,428,589, G deleted on the plus strand (C on the coding strand, the reverse complement: PDHB is on the minus strand); the first of 2 consecutive G bases (chr3:58,428,589-58,428,590); deleting either gives the same sequence. VCF-style (leftmost placement, unchanged base first): chr3-58428588-TG-T. GRCh37 (hg19) VCF-style: chr3-58414315-TG-T.
Other names: c.764del, p.Pro255fs (NM_001173468.2, NM_001315536.2); c.818delC (NM_000925.3); short protein forms P255fs, P273fs.
Identifiers: ClinVar variation 2445695 (VCV002445695.1), dbSNP rs2471363855, ClinGen allele CA2580070388.